The following is an entry in ClinVar:

ClinVar aggregate classification (germline): Likely benign (1 of 4 stars; one submission).

gnomAD v4.1: 2 of 1,613,846 alleles (0.00012%); highest among the groups gnomAD compares: Non-Finnish European, 0.00017%; no homozygotes.

Submission:

CeGaT Center for Human Genetics Tuebingen
Classification: Likely benign. Last evaluated: 2026-08-01. Review status: criteria provided, single submitter. Criteria: CeGaT Center For Human Genetics Tuebingen Variant Classification Criteria Version 2. Collection method: clinical testing. Allele origin: germline. Affected: yes. Observed: 1 variant allele.
Comment: ZMYM2: BP4, BP7

NM_197968.4(ZMYM2):c.783T>C (p.Pro261=)

Gene: ZMYM2 (zinc finger MYM-type containing 2; plus strand). Cytogenetic location: 13q12.11.
Variant type: single nucleotide variant.
Coding change: c.783T>C on transcript NM_197968.4 (MANE Select); coding-DNA position 783, T replaced by C.
Protein change: p.Pro261=; no amino-acid change (proline 261 retained).
Molecular consequence: synonymous variant. On other transcripts: non-coding transcript variant (1).
Genome position (GRCh38, 1-based): chr13:19,993,855, T>C. VCF-style: chr13-19993855-T-C. GRCh37 (hg19) VCF-style: chr13-20567995-T-C.
Other names: c.783T>C, p.Pro261= (NM_003453.6, NM_001190964.4, NM_001190965.4 and 5 more transcripts); c.588T>C, p.Pro196= (NM_001353161.3); c.522T>C, p.Pro174= (NM_001353163.2).
Identifiers: ClinVar variation 5038923 (VCV005038923.1).